The following is an entry in ClinVar:

ClinVar aggregate classification (germline): Uncertain significance. Review status: criteria provided, multiple submitters, no conflicts (2 of 4 stars). 3 submissions from 3 submitters: Uncertain significance (2). 1 of the submissions does not count toward it. Last evaluated 2024-12-25.

Conditions:
Hereditary nonpolyposis colorectal neoplasms. Identifiers: MedGen C0009405, MeSH D003123.
Hereditary cancer-predisposing syndrome. Also called: Hereditary Cancer Syndrome; Hereditary neoplastic syndrome; Neoplastic Syndromes, Hereditary; Tumor predisposition. Identifiers: Orphanet 140162, MedGen C0027672, MeSH D009386, MONDO:0015356.

Allele frequency attached by ClinVar (database versions not stated): gnomAD exomes below 0.00001.
gnomAD v4.1: 2 of 1,614,136 alleles (0.00012%); highest among the groups gnomAD compares: East Asian, 0.0022%; no homozygotes.

Submissions (3):

Labcorp Genetics (formerly Invitae), Labcorp
Classification: Uncertain significance for Hereditary nonpolyposis colorectal neoplasms. Last evaluated: 2024-12-25. Review status: criteria provided, single submitter. Criteria: Invitae Variant Classification Sherloc (09022015). Collection method: clinical testing. Allele origin: germline.
Comment: This sequence change replaces glycine, which is neutral and non-polar, with alanine, which is neutral and non-polar, at codon 1134 of the MSH6 protein (p.Gly1134Ala). This variant is present in population databases (no rsID available, gnomAD 0.006%). This variant has not been reported in the literature in individuals affected with MSH6-related conditions. ClinVar contains an entry for this variant (Variation ID: 433922). Invitae Evidence Modeling incorporating data from in vitro experimental studies (internal data) indicates that this missense variant is expected to disrupt MSH6 function with a positive predictive value of 95%. In summary, the available evidence is currently insufficient to determine the role of this variant in disease. Therefore, it has been classified as a Variant of Uncertain Significance.

Ambry Genetics
Classification: Uncertain significance for Hereditary cancer-predisposing syndrome. Last evaluated: 2020-10-28. Review status: criteria provided, single submitter. Criteria: Ambry Variant Classification Scheme 2023. Collection method: clinical testing. Allele origin: germline.
Comment: The p.G1134A variant (also known as c.3401G>C), located in coding exon 5 of the MSH6 gene, results from a G to C substitution at nucleotide position 3401. The glycine at codon 1134 is replaced by alanine, an amino acid with similar properties. This amino acid position is highly conserved in available vertebrate species. In addition, this alteration is predicted to be deleterious by in silico analysis. Since supporting evidence is limited at this time, the clinical significance of this alteration remains unclear.

Department of Pathology and Laboratory Medicine, Sinai Health System
Classification: Uncertain significance. Review status: no assertion criteria provided. Collection method: clinical testing. Allele origin: unknown. Affected: yes. Study: The Canadian Open Genetics Repository (COGR). Not counted in ClinVar's aggregate classification.
Comment: The p.Gly1134Ala variant has not been previously reported in the literature. The p.Gly1134 residue is conserved across mammals and computational analyses (PolyPhen, SIFT, AlignGVGD) suggest that the p.Gly1134Ala variant may impact the protein. However, this information is not predictive enough to assume pathogenicity. In summary, based on the above information, the clinical significance of this variant cannot be determined at this time. This variant is classified as a variant of unknown significance.

NM_000179.3(MSH6):c.3401G>C (p.Gly1134Ala)

Gene: MSH6 (mutS homolog 6; plus strand). Cytogenetic location: 2p16.3.
Variant type: single nucleotide variant.
Coding change: c.3401G>C on transcript NM_000179.3 (MANE Select); coding-DNA position 3401, G replaced by C.
Protein change: p.Gly1134Ala; replaces glycine 1134 with alanine.
Molecular consequence: missense variant.
Genome position (GRCh38, 1-based): chr2:47,803,648, G>C. VCF-style: chr2-47803648-G-C. GRCh37 (hg19) VCF-style: chr2-48030787-G-C.
Other names: c.3011G>C, p.Gly1004Ala (NM_001281492.2); c.2495G>C, p.Gly832Ala (NM_001281493.2, NM_001281494.2); short protein forms G1134A, G1004A, G832A.
Identifiers: ClinVar variation 433922 (VCV000433922.14), dbSNP rs1376398586, ClinGen allele CA346758874.